The following is an entry in ClinVar:

ClinVar aggregate classification (germline): Uncertain significance. Review status: criteria provided, multiple submitters, no conflicts (2 of 4 stars). 2 submissions from 2 submitters: Uncertain significance (2). Last evaluated 2026-04-20.

Conditions:
Hereditary cancer-predisposing syndrome. Also called: Tumor predisposition; Hereditary Cancer Syndrome; Neoplastic Syndromes, Hereditary; Hereditary neoplastic syndrome. Identifiers: Orphanet 140162, MedGen C0027672, MeSH D009386, MONDO:0015356.

Submissions (2):

Ambry Genetics
Classification: Uncertain significance for Hereditary cancer-predisposing syndrome. Last evaluated: 2026-04-20. Review status: criteria provided, single submitter. Criteria: Ambry Variant Classification Scheme 2023. Collection method: clinical testing. Allele origin: germline.
Comment: The c.1663C>T variant (also known as p.H555Y), located in coding exon 11 of the CDH1 gene, results from a C to T substitution at nucleotide position 1663. The histidine at codon 555 is replaced by tyrosine, an amino acid with similar properties. This nucleotide position is not well conserved in available vertebrate species. In silico splice site analysis predicts that this alteration may result in the creation or strengthening of a novel splice donor site; however, direct evidence is insufficient at this time (Ambry internal data). Based on the available evidence, the clinical significance of this variant remains unclear.

Color Diagnostics, LLC DBA Color Health
Classification: Uncertain significance for Hereditary cancer-predisposing syndrome. Last evaluated: 2023-12-05. Review status: criteria provided, single submitter. Criteria: ACMG Guidelines, 2015. Collection method: clinical testing. Allele origin: germline.
Comment: This missense variant replaces histidine with tyrosine at codon 555 of the CDH1 protein. To our knowledge, functional studies have not been reported for this variant. This variant has not been reported in individuals affected with CDH1-related disorders in the literature. This variant has not been identified in the general population by the Genome Aggregation Database (gnomAD). The available evidence is insufficient to determine the role of this variant in disease conclusively. Therefore, this variant is classified as a Variant of Uncertain Significance.

NM_004360.5(CDH1):c.1663C>T (p.His555Tyr)

Gene: CDH1 (cadherin 1; plus strand). Cytogenetic location: 16q22.1.
Variant type: single nucleotide variant.
Coding change: c.1663C>T on transcript NM_004360.5 (MANE Select); coding-DNA position 1663, C replaced by T.
Protein change: p.His555Tyr; replaces histidine 555 with tyrosine.
Molecular consequence: missense variant. On other transcripts: intron variant (1).
Genome position (GRCh38, 1-based): chr16:68,819,377, C>T. VCF-style: chr16-68819377-C-T. GRCh37 (hg19) VCF-style: chr16-68853280-C-T.
Other names: c.1480C>T, p.His494Tyr (NM_001317184.2); c.115C>T, p.His39Tyr (NM_001317185.2); c.-254-2624C>T (NM_001317186.2); c.1663C>T (NM_004360.3); short protein forms H555Y, H39Y, H494Y.
Identifiers: ClinVar variation 630706 (VCV000630706.6), dbSNP rs587782768, ClinGen allele CA396465269.
Genomic context (GRCh38, chr16:68,819,377, plus strand): 5'-ATTAATCCGGACACTGGTGCCATTTCCACTCGGGCTGAGCTGGACAGGGAGGATTTTGAG[C>T]ACGTGAAGAACAGCACGTACACAGCCCTAATCATAGCTACAGACAATGGTAAGGGGGCCT-3'
Protein context (NP_004351.1, residues 545-565): RAELDREDFE[His555Tyr]VKNSTYTALI